The following is an entry in ClinVar:

ClinVar aggregate classification (germline): Pathogenic. Review status: criteria provided, multiple submitters, no conflicts (2 of 4 stars). 2 submissions from 2 submitters: Pathogenic (2). Last evaluated 2019-05-28.

Conditions:
Duchenne muscular dystrophy (DMD). Also called: Duchenne Muscular Dystrophy (DMD); MUSCULAR DYSTROPHY, PSEUDOHYPERTROPHIC PROGRESSIVE, DUCHENNE TYPE. Identifiers: Orphanet 98896, MedGen C0013264, MONDO:0010679, OMIM 310200.

Submissions (2):

Mendelics
Classification: Pathogenic for Duchenne muscular dystrophy. Last evaluated: 2019-05-28. Review status: criteria provided, single submitter. Criteria: Mendelics Assertion Criteria 2017. Collection method: clinical testing. Allele origin: unknown.

Labcorp Genetics (formerly Invitae), Labcorp
Classification: Pathogenic for Duchenne muscular dystrophy. Last evaluated: 2017-12-18. Review status: criteria provided, single submitter. Criteria: Invitae Variant Classification Sherloc (09022015). Collection method: clinical testing. Allele origin: germline.
Comment: This sequence change creates a premature translational stop signal (p.Gln1411*) in the DMD gene. It is expected to result in an absent or disrupted protein product. This variant is not present in population databases (ExAC no frequency). This variant has been reported in individuals affected with Duchenne muscular dystrophy (DMD) (PMID: 25244321, Invitae). Loss-of-function variants in DMD are known to be pathogenic (PMID: 16770791, 25007885). For these reasons, this variant has been classified as Pathogenic.

Literature cited by the submitters: PubMed 25244321 (cited by Labcorp Genetics (formerly Invitae), Labcorp).

NM_004006.3(DMD):c.4231C>T (p.Gln1411Ter)

Gene: DMD (dystrophin; minus strand). Cytogenetic location: Xp21.1.
Variant type: single nucleotide variant.
Coding change: c.4231C>T on transcript NM_004006.3 (MANE Select); coding-DNA position 4231, C replaced by T.
Protein change: p.Gln1411Ter; replaces glutamine 1411 with a stop codon.
Molecular consequence: nonsense.
Genome position (GRCh38, 1-based): chrX:32,411,754, G>A on the plus strand (C>T on the coding strand, the complement: DMD is on the minus strand). VCF-style: chrX-32411754-G-A. GRCh37 (hg19) VCF-style: chrX-32429871-G-A.
Other names: c.4207C>T, p.Gln1403Ter (NM_000109.4); c.4219C>T, p.Gln1407Ter (NM_004009.3); c.3862C>T, p.Gln1288Ter (NM_004010.3); c.208C>T, p.Gln70Ter (NM_004011.4); c.199C>T, p.Gln67Ter (NM_004012.4); short protein forms Q1411*, Q1288*, Q1403*, Q1407*, Q67*, Q70*.
Identifiers: ClinVar variation 526046 (VCV000526046.3), dbSNP rs1010666282, ClinGen allele CA412665956.